The following is an entry in ClinVar:

ClinVar aggregate classification (germline): Uncertain significance. Review status: criteria provided, multiple submitters, no conflicts (2 of 4 stars). 2 submissions from 2 submitters: Uncertain significance (2). Last evaluated 2023-04-06.

Conditions:
Familial hypocalciuric hypercalcemia (FHH). Also called: Familial benign hypercalcemia. Identifiers: Orphanet 405, MedGen C1809471, MONDO:0018458.
Autosomal dominant hypocalcemia 1 (HYPOC1). Also called: HYPOCALCEMIA, FAMILIAL. Identifiers: MedGen C3715128, MONDO:0011013, OMIM 601198.
Nephrolithiasis/nephrocalcinosis. Identifiers: MedGen CN580796.

Submissions (2):

Ambry Genetics
Classification: Uncertain significance for Nephrolithiasis/nephrocalcinosis. Last evaluated: 2023-04-06. Review status: criteria provided, single submitter. Criteria: Ambry Variant Classification Scheme 2023. Collection method: clinical testing. Allele origin: germline.
Comment: The p.G376S variant (also known as c.1126G>A), located in coding exon 3 of the CASR gene, results from a G to A substitution at nucleotide position 1126. The glycine at codon 376 is replaced by serine, an amino acid with similar properties. This amino acid position is conserved. In addition, this alteration is predicted to be tolerated by in silico analysis. Since supporting evidence is limited at this time, the clinical significance of this alteration remains unclear.

Labcorp Genetics (formerly Invitae), Labcorp
Classification: Uncertain significance for Familial hypocalciuric hypercalcemia; Autosomal dominant hypocalcemia 1. Last evaluated: 2021-12-23. Review status: criteria provided, single submitter. Criteria: Invitae Variant Classification Sherloc (09022015). Collection method: clinical testing. Allele origin: germline.
Comment: This variant has not been reported in the literature in individuals affected with CASR-related conditions. This sequence change replaces glycine, which is neutral and non-polar, with serine, which is neutral and polar, at codon 376 of the CASR protein (p.Gly376Ser). This variant is not present in population databases (gnomAD no frequency). Algorithms developed to predict the effect of missense changes on protein structure and function output the following: SIFT: "Tolerated"; PolyPhen-2: "Benign"; Align-GVGD: "Class C0". The serine amino acid residue is found in multiple mammalian species, which suggests that this missense change does not adversely affect protein function. In summary, the available evidence is currently insufficient to determine the role of this variant in disease. Therefore, it has been classified as a Variant of Uncertain Significance.

NM_000388.4(CASR):c.1126G>A (p.Gly376Ser)

Gene: CASR (calcium sensing receptor; plus strand). Cytogenetic location: 3q21.1.
Variant type: single nucleotide variant.
Coding change: c.1126G>A on transcript NM_000388.4 (MANE Select); coding-DNA position 1126, G replaced by A.
Protein change: p.Gly376Ser; replaces glycine 376 with serine.
Molecular consequence: missense variant.
Genome position (GRCh38, 1-based): chr3:122,262,161, G>A. VCF-style: chr3-122262161-G-A. GRCh37 (hg19) VCF-style: chr3-121981008-G-A.
Other names: c.1126G>A, p.Gly376Ser (NM_001178065.2); c.1126G>A (NM_000388.3); short protein forms G376S.
Identifiers: ClinVar variation 1403013 (VCV001403013.7), dbSNP rs2107632942, ClinGen allele CA354152641.
Genomic context (GRCh38, chr3:122,262,161, plus strand): 5'-TTTAACTGCCACCTCCAAGAAGGTGCAAAAGGACCTTTACCTGTGGACACCTTTCTGAGA[G>A]GTCACGAAGAAAGTGGCGACAGGTTTAGCAACAGCTCGACAGCCTTCCGACCCCTCTGTA-3'
Protein context (NP_000379.3, residues 366-386): GPLPVDTFLR[Gly376Ser]HEESGDRFSN